The following is an entry in ClinVar:

ClinVar aggregate classification (germline): Likely benign (1 of 4 stars; one submission).

Allele frequency attached by ClinVar (database versions not stated): gnomAD exomes below 0.00001.
gnomAD v4.1: 1 of 1,613,982 alleles (0.000062%); highest among the groups gnomAD compares: Non-Finnish European, 0.000085%; no homozygotes.

Submission:

GeneDx
Classification: Likely benign. Last evaluated: 2017-10-03. Review status: criteria provided, single submitter. Criteria: GeneDx Variant Classification (06012015). Collection method: clinical testing. Allele origin: germline. Affected: yes.
Comment: This variant is considered likely benign or benign based on one or more of the following criteria: it is a conservative change, it occurs at a poorly conserved position in the protein, it is predicted to be benign by multiple in silico algorithms, and/or has population frequency not consistent with disease.

NM_001035.3(RYR2):c.12672G>A (p.Glu4224=)

Genes: RYR2 (ryanodine receptor 2; plus strand), LOC126806068 (BRD4-independent group 4 enhancer GRCh37_chr1:237947411-237948610; plus strand). Cytogenetic location: 1q43.
Variant type: single nucleotide variant.
Coding change: c.12672G>A on transcript NM_001035.3 (MANE Select); coding-DNA position 12672, G replaced by A.
Protein change: p.Glu4224=; no amino-acid change (glutamic acid 4224 retained).
Molecular consequence: synonymous variant.
Genome position (GRCh38, 1-based): chr1:237,784,384, G>A. VCF-style: chr1-237784384-G-A. GRCh37 (hg19) VCF-style: chr1-237947684-G-A.
Other names: c.12672G>A, p.Glu4224= (LRG_402t1).
Identifiers: ClinVar variation 512558 (VCV000512558.1), dbSNP rs746898186, ClinGen allele CA424032164.